The following is an entry in ClinVar:

ClinVar aggregate classification (germline): Pathogenic (1 of 4 stars; one submission).

Conditions:
Hereditary cancer-predisposing syndrome. Also called: Neoplastic Syndromes, Hereditary; Tumor predisposition; Hereditary Cancer Syndrome; Hereditary neoplastic syndrome. Identifiers: Orphanet 140162, MedGen C0027672, MeSH D009386, MONDO:0015356.

Submission:

Ambry Genetics
Classification: Pathogenic for Hereditary cancer-predisposing syndrome. Last evaluated: 2020-05-07. Review status: criteria provided, single submitter. Criteria: Ambry Variant Classification Scheme 2023. Collection method: clinical testing. Allele origin: germline.
Comment: The c.1196delT variant, located in coding exon 10 of the MRE11A gene, results from a deletion of one nucleotide at nucleotide position 1196, causing a translational frameshift with a predicted alternate stop codon (p.F399Sfs*29). This alteration is expected to result in loss of function by premature protein truncation or nonsense-mediated mRNA decay. As such, this alteration is interpreted as a disease-causing mutation.

NM_005591.4(MRE11):c.1196del (p.Phe399fs)

Gene: MRE11 (MRE11 double strand break repair nuclease; minus strand). Cytogenetic location: 11q21.
Variant type: Deletion.
Coding change: c.1196del on transcript NM_005591.4 (MANE Select); coding-DNA position 1196, one base deleted (T; older notation c.1196delT).
Protein change: p.Phe399fs; shifts the reading frame from phenylalanine 399.
Molecular consequence: frameshift variant.
Genome position (GRCh38, 1-based): chr11:94,464,142, A deleted on the plus strand (T on the coding strand, the reverse complement: MRE11 is on the minus strand); the first of 6 consecutive A bases (chr11:94,464,142-94,464,147); deleting any one gives the same sequence. VCF-style (leftmost placement, unchanged base first): chr11-94464141-GA-G. GRCh37 (hg19) VCF-style: chr11-94197307-GA-G.
Other names: c.1196delT (NM_005591.3); c.1196del, p.Phe399fs (NM_001330347.2, NM_005590.4); short protein forms F399fs.
Identifiers: ClinVar variation 1800410 (VCV001800410.2), dbSNP rs2134999584, ClinGen allele CA645596080.